The following is an entry in ClinVar:

ClinVar aggregate classification (germline): Uncertain significance (1 of 4 stars; one submission).

Conditions:
Pityriasis rubra pilaris (PRP). Also called: Pityriasis rubra pilaris--familial type. Identifiers: Orphanet 2897, MedGen C0032027, MONDO:0100017, OMIM 173200, MONDO:0008251.
Psoriasis 2. Identifiers: MedGen C1864497, MONDO:0011269, OMIM 602723.

Submission:

Labcorp Genetics (formerly Invitae), Labcorp
Classification: Uncertain significance for Pityriasis rubra pilaris; Psoriasis 2. Last evaluated: 2020-09-02. Review status: criteria provided, single submitter. Criteria: Invitae Variant Classification Sherloc (09022015). Collection method: clinical testing. Allele origin: germline.
Comment: This variant is not present in population databases (ExAC no frequency). This variant has not been reported in the literature in individuals with CARD14-related conditions. Algorithms developed to predict the effect of missense changes on protein structure and function (SIFT, PolyPhen-2, Align-GVGD) all suggest that this variant is likely to be tolerated, but these predictions have not been confirmed by published functional studies and their clinical significance is uncertain. In summary, the available evidence is currently insufficient to determine the role of this variant in disease. Therefore, it has been classified as a Variant of Uncertain Significance. This sequence change replaces serine with asparagine at codon 336 of the CARD14 protein (p.Ser336Asn). The serine residue is weakly conserved and there is a small physicochemical difference between serine and asparagine.

NM_001366385.1(CARD14):c.1007G>A (p.Ser336Asn)

Gene: CARD14 (caspase recruitment domain family member 14; plus strand). Cytogenetic location: 17q25.3.
Variant type: single nucleotide variant.
Coding change: c.1007G>A on transcript NM_001366385.1 (MANE Select); coding-DNA position 1007, G replaced by A.
Protein change: p.Ser336Asn; replaces serine 336 with asparagine.
Molecular consequence: missense variant.
Genome position (GRCh38, 1-based): chr17:80,190,817, G>A. VCF-style: chr17-80190817-G-A. GRCh37 (hg19) VCF-style: chr17-78164616-G-A.
Other names: c.1007G>A, p.Ser336Asn (NM_001257970.1, NM_024110.4); c.296G>A, p.Ser99Asn (NM_052819.3); short protein forms S336N, S99N.
Identifiers: ClinVar variation 1023937 (VCV001023937.9), dbSNP rs2040501473, ClinGen allele CA401344893.